The following is an entry in ClinVar:

NM_006734.4(HIVEP2):c.4525C>T (p.Gln1509Ter)

Gene: HIVEP2 (HIVEP zinc finger 2; minus strand). Cytogenetic location: 6q24.2.
Variant type: single nucleotide variant.
Coding change: c.4525C>T on transcript NM_006734.4 (MANE Select); coding-DNA position 4525, C replaced by T.
Protein change: p.Gln1509Ter; replaces glutamine 1509 with a stop codon.
Molecular consequence: nonsense.
Genome position (GRCh38, 1-based): chr6:142,770,214, G>A on the plus strand (C>T on the coding strand, the complement: HIVEP2 is on the minus strand). VCF-style: chr6-142770214-G-A. GRCh37 (hg19) VCF-style: chr6-143091351-G-A.
Other names: short protein forms Q1509*.
Identifiers: ClinVar variation 2817292 (VCV002817292.3), dbSNP rs2482822001, ClinGen allele CA365899824.
Genomic context (GRCh38, chr6:142,770,214, plus strand): 5'-CAGAAGGATAGTCTTGAGATGAGGAGGGCGACAGCGAGGAGAAGGAAGATGACCCTGACT[G>A]CAAGCCATCTTTTGGCTCAGAAGCACATCCTTGTCGAACCAGCTGGGGTTTCTGGGGGCG-3'

ClinVar aggregate classification (germline): Pathogenic (1 of 4 stars; one submission).

Submission:

Labcorp Genetics (formerly Invitae), Labcorp
Classification: Pathogenic. Last evaluated: 2022-11-29. Review status: criteria provided, single submitter. Criteria: Invitae Variant Classification Sherloc (09022015). Collection method: clinical testing. Allele origin: germline.
Comment: This variant is not present in population databases (gnomAD no frequency). This sequence change creates a premature translational stop signal (p.Gln1509*) in the HIVEP2 gene. It is expected to result in an absent or disrupted protein product. Loss-of-function variants in HIVEP2 are known to be pathogenic (PMID: 27003583). This variant has not been reported in the literature in individuals affected with HIVEP2-related conditions. For these reasons, this variant has been classified as Pathogenic.

Literature cited by the submitters: PubMed 27003583.